The following is an entry in ClinVar:

ClinVar aggregate classification (germline): Uncertain significance (1 of 4 stars; one submission).

Conditions:
Polyglucosan body myopathy type 1 (PGBM1). Also called: POLYGLUCOSAN BODY MYOPATHY WITHOUT IMMUNODEFICIENCY; Polyglucosan body myopathy 1 with or without immunodeficiency. Identifiers: Orphanet 329173, Orphanet 397937, MedGen C4014605, MONDO:0014389, OMIM 615895.

Submission:

Labcorp Genetics (formerly Invitae), Labcorp
Classification: Uncertain significance for Polyglucosan body myopathy type 1. Last evaluated: 2022-11-22. Review status: criteria provided, single submitter. Criteria: Invitae Variant Classification Sherloc (09022015). Collection method: clinical testing. Allele origin: germline.
Comment: In summary, the available evidence is currently insufficient to determine the role of this variant in disease. Therefore, it has been classified as a Variant of Uncertain Significance. Advanced modeling of protein sequence and biophysical properties (such as structural, functional, and spatial information, amino acid conservation, physicochemical variation, residue mobility, and thermodynamic stability) performed at Invitae indicates that this missense variant is not expected to disrupt RBCK1 protein function. ClinVar contains an entry for this variant (Variation ID: 1351721). This variant has not been reported in the literature in individuals affected with RBCK1-related conditions. This variant is not present in population databases (gnomAD no frequency). This sequence change replaces glycine, which is neutral and non-polar, with cysteine, which is neutral and slightly polar, at codon 166 of the RBCK1 protein (p.Gly166Cys).

NM_031229.4(RBCK1):c.496G>T (p.Gly166Cys)

Gene: RBCK1 (RANBP2-type and C3HC4-type zinc finger containing 1; plus strand). Cytogenetic location: 20p13.
Variant type: single nucleotide variant.
Coding change: c.496G>T on transcript NM_031229.4 (MANE Select); coding-DNA position 496, G replaced by T.
Protein change: p.Gly166Cys; replaces glycine 166 with cysteine.
Molecular consequence: missense variant. On other transcripts: synonymous variant (2), non-coding transcript variant (1).
Genome position (GRCh38, 1-based): chr20:419,382, G>T. VCF-style: chr20-419382-G-T. GRCh37 (hg19) VCF-style: chr20-400026-G-T.
Other names: c.147G>T, p.Gly49= (NM_001323956.2, NM_001323958.2); c.370G>T, p.Gly124Cys (NM_006462.6); short protein forms G124C, G166C.
Identifiers: ClinVar variation 1351721 (VCV001351721.6), dbSNP rs2122242440, ClinGen allele CA407922709.